The following is an entry in ClinVar:

ClinVar aggregate classification (germline): Uncertain significance. Review status: criteria provided, multiple submitters, no conflicts (2 of 4 stars). 3 submissions from 3 submitters: Uncertain significance (2). 1 of the submissions does not count toward it. Last evaluated 2025-12-20.

Conditions:
Ovarian cancer. Also called: OVARIAN CANCER, SOMATIC. Identifiers: Orphanet 213500, MedGen C1140680, MONDO:0008170, OMIM 167000.
Gastric cancer. Also called: Stomach cancer; Malignant tumor of stomach. Identifiers: MedGen C0024623, MeSH D013274, MONDO:0001056, OMIM 613659, HP:0012126.
Glioma susceptibility 1 (GLM1). Also called: Glioblastoma, somatic. Identifiers: MedGen C2750850, MONDO:0024498, OMIM 137800.
Lung cancer. Also called: Lung cancer, somatic; Malignant tumor of lung. Identifiers: MedGen C0242379, MONDO:0008903, OMIM 211980.
Visceral neuropathy, familial, 2, autosomal recessive. Identifiers: MedGen C5561950, MONDO:0030399, OMIM 619465.

Allele frequency attached by ClinVar (database versions not stated): ESP Exome Variant Server 0.00008; gnomAD 0.00009 and 0.00011; gnomAD exomes 0.00012 and 0.00023; 1000 Genomes Project 30x 0.00016; TOPMed 0.00018; 1000 Genomes Project 0.00020; ExAC 0.00022.
gnomAD v4.1: 202 of 1,612,946 alleles (0.013%); highest among the groups gnomAD compares: Middle Eastern, 0.12%; no homozygotes.

Submissions (3):

Labcorp Genetics (formerly Invitae), Labcorp
Classification: Uncertain significance. Last evaluated: 2025-12-20. Review status: criteria provided, single submitter. Criteria: Invitae Variant Classification Sherloc (09022015). Collection method: clinical testing. Allele origin: germline.
Comment: This sequence change replaces leucine, which is neutral and non-polar, with proline, which is neutral and non-polar, at codon 1061 of the ERBB2 protein (p.Leu1061Pro). This variant is present in population databases (rs141142822, gnomAD 0.1%), and has an allele count higher than expected for a pathogenic variant. This missense change has been observed in individual(s) with breast cancer (PMID: 36672847). ClinVar contains an entry for this variant (Variation ID: 134079). An algorithm developed to predict the effect of missense changes on protein structure and function (PolyPhen-2) suggests that this variant is likely to be tolerated. In summary, the available evidence is currently insufficient to determine the role of this variant in disease. Therefore, it has been classified as a Variant of Uncertain Significance.

Department of Pathology and Laboratory Medicine, Sinai Health System
Classification: Uncertain significance for Glioma susceptibility 1; Ovarian cancer; Lung cancer; Gastric cancer; Visceral neuropathy, familial, 2, autosomal recessive. Last evaluated: 2023-02-06. Review status: criteria provided, single submitter. Criteria: ACMG Guidelines, 2015. Collection method: research. Allele origin: germline.

ITMI
No classification provided. Condition: AllHighlyPenetrant. Last evaluated: 2013-09-19. Review status: no classification provided. Collection method: reference population. Allele origin: germline. Not counted in ClinVar's aggregate classification.
Comment: Please see associated publication for description of ethnicities

Literature cited by the submitters: PubMed 36672847 (cited by Labcorp Genetics (formerly Invitae), Labcorp); PubMed 24728327 (cited by ITMI).

NM_004448.4(ERBB2):c.3182T>C (p.Leu1061Pro)

Gene: ERBB2 (erb-b2 receptor tyrosine kinase 2; plus strand). Cytogenetic location: 17q12.
Variant type: single nucleotide variant.
Coding change: c.3182T>C on transcript NM_004448.4 (MANE Select); coding-DNA position 3182, T replaced by C.
Protein change: p.Leu1061Pro; replaces leucine 1061 with proline.
Molecular consequence: missense variant. On other transcripts: non-coding transcript variant (1), intron variant (2).
Genome position (GRCh38, 1-based): chr17:39,727,317, T>C. VCF-style: chr17-39727317-T-C. GRCh37 (hg19) VCF-style: chr17-37883570-T-C.
Other names: c.3092T>C, p.Leu1031Pro (NM_001005862.3, NM_001382782.1, NM_001382783.1); c.3137T>C, p.Leu1046Pro (NM_001289936.2); c.3299T>C, p.Leu1100Pro (NM_001382784.1); c.3284T>C, p.Leu1095Pro (NM_001382785.1); c.3263T>C, p.Leu1088Pro (NM_001382786.1); c.3257T>C, p.Leu1086Pro (NM_001382787.1); c.3212T>C, p.Leu1071Pro (NM_001382788.1); c.3203T>C, p.Leu1068Pro (NM_001382789.1); and 17 more; short protein forms L1031P, L1061P, L1046P, L1001P, L1009P, L1028P, L1032P, L1045P.
Identifiers: ClinVar variation 134079 (VCV000134079.9), dbSNP rs141142822, ClinGen allele CA158642.